The following is an entry in ClinVar:

ClinVar aggregate classification (germline): Uncertain significance (1 of 4 stars; one submission).

Conditions:
Hereditary cancer-predisposing syndrome. Also called: Tumor predisposition; Hereditary neoplastic syndrome; Hereditary Cancer Syndrome; Neoplastic Syndromes, Hereditary. Identifiers: Orphanet 140162, MedGen C0027672, MeSH D009386, MONDO:0015356.

Submission:

Ambry Genetics
Classification: Uncertain significance for Hereditary cancer-predisposing syndrome. Last evaluated: 2023-10-25. Review status: criteria provided, single submitter. Criteria: Ambry Variant Classification Scheme 2023. Collection method: clinical testing. Allele origin: germline.
Comment: The p.D553N variant (also known as c.1657G>A), located in coding exon 12 of the MSH3 gene, results from a G to A substitution at nucleotide position 1657. The aspartic acid at codon 553 is replaced by asparagine, an amino acid with highly similar properties. This amino acid position is well conserved in available vertebrate species. In addition, this alteration is predicted to be tolerated by in silico analysis. Since supporting evidence is limited at this time, the clinical significance of this alteration remains unclear.

NM_002439.5(MSH3):c.1657G>A (p.Asp553Asn)

Gene: MSH3 (mutS homolog 3; plus strand). Cytogenetic location: 5q14.1.
Variant type: single nucleotide variant.
Coding change: c.1657G>A on transcript NM_002439.5 (MANE Select); coding-DNA position 1657, G replaced by A.
Protein change: p.Asp553Asn; replaces aspartic acid 553 with asparagine.
Molecular consequence: missense variant.
Genome position (GRCh38, 1-based): chr5:80,744,509, G>A. VCF-style: chr5-80744509-G-A. GRCh37 (hg19) VCF-style: chr5-80040328-G-A.
Other names: short protein forms D553N.
Identifiers: ClinVar variation 3222245 (VCV003222245.1), dbSNP rs2546762022, ClinGen allele CA360274622.